The following is an entry in ClinVar:

ClinVar aggregate classification (germline): Likely benign. Review status: criteria provided, multiple submitters, no conflicts (2 of 4 stars). 3 submissions from 3 submitters: Likely benign (3). Last evaluated 2025-08-20.

Allele frequency attached by ClinVar (database versions not stated): gnomAD 0.00001; TOPMed 0.00002; gnomAD exomes 0.00003.
gnomAD v4.1: 49 of 1,614,004 alleles (0.003%); highest among the groups gnomAD compares: Middle Eastern, 0.54%; 1 homozygote.

Submissions (3):

Labcorp Genetics (formerly Invitae), Labcorp
Classification: Likely benign. Last evaluated: 2025-08-20. Review status: criteria provided, single submitter. Criteria: Invitae Variant Classification Sherloc (09022015). Collection method: clinical testing. Allele origin: germline.

Blueprint Genetics
Classification: Likely benign. Last evaluated: 2024-06-12. Review status: criteria provided, single submitter. Criteria: ACMG Guidelines, 2015. Collection method: clinical testing. Allele origin: germline.

CeGaT Center for Human Genetics Tuebingen
Classification: Likely benign. Last evaluated: 2024-03-01. Review status: criteria provided, single submitter. Criteria: CeGaT Center For Human Genetics Tuebingen Variant Classification Criteria Version 2. Collection method: clinical testing. Allele origin: germline. Affected: yes. Observed: 1 variant allele.
Comment: FAT4: BP4, BP7

NM_001291303.3(FAT4):c.3154T>C (p.Leu1052=)

Gene: FAT4 (FAT atypical cadherin 4; plus strand). Cytogenetic location: 4q28.1.
Variant type: single nucleotide variant.
Coding change: c.3154T>C on transcript NM_001291303.3 (MANE Select); coding-DNA position 3154, T replaced by C.
Protein change: p.Leu1052=; no amino-acid change (leucine 1052 retained).
Molecular consequence: synonymous variant.
Genome position (GRCh38, 1-based): chr4:125,319,565, T>C. VCF-style: chr4-125319565-T-C. GRCh37 (hg19) VCF-style: chr4-126240720-T-C.
Other names: c.3154T>C, p.Leu1052= (NM_001291285.3, NM_024582.6).
Identifiers: ClinVar variation 1969597 (VCV001969597.26), dbSNP rs867529121, ClinGen allele CA104865947.